The following is an entry in ClinVar:

NM_001034853.2(RPGR):c.2644G>T (p.Glu882Ter)

Gene: RPGR (retinitis pigmentosa GTPase regulator; minus strand). Cytogenetic location: Xp11.4.
Variant type: single nucleotide variant.
Coding change: c.2644G>T on transcript NM_001034853.2 (MANE Select); coding-DNA position 2644, G replaced by T.
Protein change: p.Glu882Ter; replaces glutamic acid 882 with a stop codon.
Molecular consequence: nonsense. On other transcripts: intron variant (8).
Genome position (GRCh38, 1-based): chrX:38,286,355, C>A on the plus strand (G>T on the coding strand, the complement: RPGR is on the minus strand). VCF-style: chrX-38286355-C-A. GRCh37 (hg19) VCF-style: chrX-38145608-C-A.
Other names: c.2644G>T (NM_001034853.1); c.1569+4604G>T (NM_001367249.1, NM_001367250.1); c.1902+739G>T (NM_001367245.1); c.1386+4604G>T (NM_001367251.1); c.1719+739G>T (NM_001367246.1); c.1572+4604G>T (NM_001367247.1); c.1905+739G>T (NM_000328.3); c.1602+4604G>T (NM_001367248.1); short protein forms E882*.
Identifiers: ClinVar variation 2145305 (VCV002145305.6), dbSNP rs2519788643, ClinGen allele CA412730140.

ClinVar aggregate classification (germline): Pathogenic. Review status: criteria provided, multiple submitters, no conflicts (2 of 4 stars). 2 submissions from 2 submitters: Pathogenic (2). Last evaluated 2022-02-20.

Conditions:
Primary ciliary dyskinesia. Also called: Ciliary dyskinesia. Identifiers: Orphanet 244, MedGen C0008780, MONDO:0016575, HP:0012265.

Submissions (2):

Labcorp Genetics (formerly Invitae), Labcorp
Classification: Pathogenic for Primary ciliary dyskinesia. Last evaluated: 2022-02-20. Review status: criteria provided, single submitter. Criteria: Invitae Variant Classification Sherloc (09022015). Collection method: clinical testing. Allele origin: germline.
Comment: For these reasons, this variant has been classified as Pathogenic. This variant disrupts a region of the RPGR (ORF15) protein in which other variant(s) (p.Leu1130Lysfs*13) have been determined to be pathogenic (PMID: 22264887; Invitae). This suggests that this is a clinically significant region of the protein, and that variants that disrupt it are likely to be disease-causing. This variant has not been reported in the literature in individuals affected with RPGR (ORF15)-related conditions. This variant is not present in population databases (gnomAD no frequency). This sequence change creates a premature translational stop signal (p.Glu882*) in the RPGR (ORF15) gene. While this is not anticipated to result in nonsense mediated decay, it is expected to disrupt the last 271 amino acid(s) of the RPGR (ORF15) protein.

PreventionGenetics, part of Exact Sciences
Classification: Pathogenic. Last evaluated: 2020-12-29. Review status: criteria provided, single submitter. Criteria: ACMG Guidelines, 2015. Collection method: clinical testing. Allele origin: germline.

Literature cited by the submitters: PubMed 22264887 (cited by Labcorp Genetics (formerly Invitae), Labcorp).